The following is an entry in ClinVar:

NM_001366145.2(TRPM3):c.3210G>A (p.Ala1070=)

Gene: TRPM3 (transient receptor potential cation channel subfamily M member 3; minus strand). Cytogenetic location: 9q21.12.
Variant type: single nucleotide variant.
Coding change: c.3210G>A on transcript NM_001366145.2 (MANE Select); coding-DNA position 3210, G replaced by A.
Protein change: p.Ala1070=; no amino-acid change (alanine 1070 retained).
Molecular consequence: synonymous variant.
Genome position (GRCh38, 1-based): chr9:70,591,044, C>T on the plus strand (G>A on the coding strand, the complement: TRPM3 is on the minus strand). VCF-style: chr9-70591044-C-T. GRCh37 (hg19) VCF-style: chr9-73205960-C-T.
Other names: c.3174G>A, p.Ala1058= (NM_001007471.4, NM_001366151.2); c.3180G>A, p.Ala1060= (NM_001366141.2, NM_001366143.2, NM_001366149.2); c.3216G>A, p.Ala1072= (NM_001366142.2); c.3210G>A, p.Ala1070= (NM_001366146.2); c.3285G>A, p.Ala1095= (NM_001366147.2, NM_001366152.2); c.3255G>A, p.Ala1085= (NM_001366148.2); c.3144G>A, p.Ala1048= (NM_001366150.2); c.2751G>A, p.Ala917= (NM_001366154.2, NM_024971.7); and 5 more.
Identifiers: ClinVar variation 3033168 (VCV003033168.4), dbSNP rs116330117, ClinGen allele CA5078115.

ClinVar aggregate classification (germline): Likely benign. Review status: criteria provided, multiple submitters, no conflicts (2 of 4 stars). 3 submissions from 3 submitters: Likely benign (2). 1 of the submissions does not count toward it. Last evaluated 2026-09-01.

Conditions:
TRPM3-related disorder. Also called: TRPM3-related condition.

Allele frequency attached by ClinVar (database versions not stated): ExAC 0.00116; gnomAD 0.00250; ESP Exome Variant Server 0.00277; TOPMed 0.00309; 1000 Genomes Project 30x 0.00593; 1000 Genomes Project 0.00619.
gnomAD v4.1: 1,129 of 1,614,100 alleles (0.07%); highest among the groups gnomAD compares: African/African-American, 0.81%; 1 homozygote.

Submissions (3):

CeGaT Center for Human Genetics Tuebingen
Classification: Likely benign. Last evaluated: 2026-09-01. Review status: criteria provided, single submitter. Criteria: CeGaT Center For Human Genetics Tuebingen Variant Classification Criteria Version 2. Collection method: clinical testing. Allele origin: germline. Affected: yes. Observed: 1 variant allele.
Comment: TRPM3: BP4, BP7

Blueprint Genetics
Classification: Likely benign. Last evaluated: 2024-10-15. Review status: criteria provided, single submitter. Criteria: ACMG Guidelines, 2015. Collection method: clinical testing. Allele origin: germline.

PreventionGenetics, part of Exact Sciences
Classification: Benign for TRPM3-related condition. Last evaluated: 2019-08-09. Review status: no assertion criteria provided. Collection method: clinical testing. Allele origin: germline. Not counted in ClinVar's aggregate classification.
Comment: This variant is classified as benign based on ACMG/AMP sequence variant interpretation guidelines (Richards et al. 2015 PMID: 25741868, with internal and published modifications).